The following is an entry in ClinVar:

NM_005334.3(HCFC1):c.1644_1652del (p.Leu549_Ala551del)

Gene: HCFC1 (host cell factor C1; minus strand). Cytogenetic location: Xq28.
Variant type: Deletion.
Coding change: c.1644_1652del on transcript NM_005334.3 (MANE Select); coding-DNA positions 1644 to 1652, 9 bases deleted (ACTGGCCGC; older notation c.1644_1652delACTGGCCGC).
Protein change: p.Leu549_Ala551del.
Genome position (GRCh38, 1-based): chrX:153,958,720-153,958,728, GCGGCCAGT deleted on the plus strand (ACTGGCCGC on the coding strand, the reverse complement: HCFC1 is on the minus strand); deleting any 9 consecutive bases within chrX:153,958,720-153,958,735 gives the same sequence; the c. name uses the placement nearest the transcript's 3' end. VCF-style (leftmost placement, unchanged base first): chrX-153958719-AGCGGCCAGT-A. GRCh37 (hg19) VCF-style: chrX-153224170-AGCGGCCAGT-A.
Other names: c.1644_1652del, p.Leu549_Ala551del (NM_001410705.1).
Identifiers: ClinVar variation 3393844 (VCV003393844.1).

ClinVar aggregate classification (germline): Uncertain significance (1 of 4 stars; one submission).

Submission:

GeneDx
Classification: Uncertain significance. Last evaluated: 2024-07-06. Review status: criteria provided, single submitter. Criteria: GeneDx Variant Classification Process June 2021. Collection method: clinical testing. Allele origin: germline. Affected: yes.
Comment: Has not been previously published as pathogenic or benign to our knowledge; In-frame deletion of three amino acids in a non-repeat region; In silico analysis indicates that this variant does not alter protein structure/function; Not observed at significant frequency in large population cohorts (gnomAD)